The following is an entry in ClinVar:

ClinVar aggregate classification (germline): Benign (1 of 4 stars; one submission).

Conditions:
Congenital myasthenic syndrome (CMS). Also called: Congenital Myasthenic Syndromes. Identifiers: Orphanet 590, MedGen C0751882, MeSH D020294, MONDO:0018940.

Allele frequency attached by ClinVar (database versions not stated): gnomAD exomes 0.00113; 1000 Genomes Project 0.01118; gnomAD 0.01191 and 0.01282; 1000 Genomes Project 30x 0.01218; TOPMed 0.01346.
gnomAD v4.1: 1,815 of 163,368 alleles (1.1%); highest among the groups gnomAD compares: African/African-American, 3.9%; 31 homozygotes.

Submission:

Illumina Laboratory Services, Illumina
Classification: Benign for Congenital myasthenic syndrome. Last evaluated: 2018-01-13. Review status: criteria provided, single submitter. Criteria: ICSL Variant Classification Criteria 13 December 2019. Collection method: clinical testing. Allele origin: germline.
Comment: This variant was observed in the ICSL laboratory as part of a predisposition screen in an ostensibly healthy population. It had not been previously curated by ICSL or reported in the Human Gene Mutation Database (HGMD: prior to June 1st, 2018), and was therefore a candidate for classification through an automated scoring system. Utilizing variant allele frequency, disease prevalence and penetrance estimates, and inheritance mode, an automated score was calculated to assess if this variant is too frequent to cause the disease. Based on the score and internal cut-off values, a variant classified as benign is not then subjected to further curation. The score for this variant resulted in a classification of benign for this disease.

NM_000080.4(CHRNE):c.*610C>T

Gene: CHRNE (cholinergic receptor nicotinic epsilon subunit; minus strand). Cytogenetic location: 17p13.2.
Variant type: single nucleotide variant.
Coding change: c.*610C>T on transcript NM_000080.4 (MANE Select); 610 bases downstream of the stop codon, C replaced by T.
Molecular consequence: 3 prime UTR variant.
Genome position (GRCh38, 1-based): chr17:4,898,126, G>A on the plus strand (C>T on the coding strand, the complement: CHRNE is on the minus strand). VCF-style: chr17-4898126-G-A. GRCh37 (hg19) VCF-style: chr17-4801421-G-A.
Other names: c.*610C>T (LRG_1254t1).
Identifiers: ClinVar variation 323961 (VCV000323961.5), dbSNP rs144554248, ClinGen allele CA10649592.
Genomic context (GRCh38, chr17:4,898,126, plus strand): 5'-GGCCGCATGTCCTTGCTTTCTGTCAGTACTGTAGACTAGGCAGAGAGAGCCTCCAGGGTG[G>A]GGAAGAAAGGGGCAGGGTGGGCTGGGATCTGCAATGAGTGAGCCTCATGGGGTGGGATGG-3'